The following is an entry in ClinVar:

NM_014285.7(EXOSC2):c.592G>A (p.Gly198Ser)

Gene: EXOSC2 (exosome component 2; plus strand). Cytogenetic location: 9q34.12.
Variant type: single nucleotide variant.
Coding change: c.592G>A on transcript NM_014285.7 (MANE Select); coding-DNA position 592, G replaced by A.
Protein change: p.Gly198Ser; replaces glycine 198 with serine.
Molecular consequence: missense variant. On other transcripts: non-coding transcript variant (1).
Genome position (GRCh38, 1-based): chr9:130,702,230, G>A. VCF-style: chr9-130702230-G-A. GRCh37 (hg19) VCF-style: chr9-133577617-G-A.
Other names: c.514G>A, p.Gly172Ser (NM_001282708.1); c.502G>A, p.Gly168Ser (NM_001282709.1); short protein forms G198S, G172S, G168S.
Identifiers: ClinVar variation 1955245 (VCV001955245.5), dbSNP rs745994967, ClinGen allele CA5284919.

ClinVar aggregate classification (germline): Uncertain significance (1 of 4 stars; one submission).

Allele frequency attached by ClinVar (database versions not stated): gnomAD 0.00001; ExAC 0.00001; TOPMed 0.00001.
gnomAD v4.1: 11 of 1,613,954 alleles (0.00068%); highest among the groups gnomAD compares: African/African-American, 0.004%; no homozygotes.

Submission:

Labcorp Genetics (formerly Invitae), Labcorp
Classification: Uncertain significance. Last evaluated: 2025-05-19. Review status: criteria provided, single submitter. Criteria: Invitae Variant Classification Sherloc (09022015). Collection method: clinical testing. Allele origin: germline.
Comment: This sequence change replaces glycine, which is neutral and non-polar, with serine, which is neutral and polar, at codon 198 of the EXOSC2 protein (p.Gly198Ser). This variant is present in population databases (rs745994967, gnomAD 0.007%). This variant has not been reported in the literature in individuals affected with EXOSC2-related conditions. ClinVar contains an entry for this variant (Variation ID: 1955245). Invitae Evidence Modeling of protein sequence and biophysical properties (such as structural, functional, and spatial information, amino acid conservation, physicochemical variation, residue mobility, and thermodynamic stability) indicates that this missense variant is not expected to disrupt EXOSC2 protein function with a negative predictive value of 80%. In summary, the available evidence is currently insufficient to determine the role of this variant in disease. Therefore, it has been classified as a Variant of Uncertain Significance.